The following is an entry in ClinVar:

ClinVar aggregate classification (germline): other (0 of 4 stars; one submission).

Conditions:
Familial colorectal cancer. Identifiers: MedGen CN280943, MONDO:0023113. Disease mechanism: loss of function.

Allele frequency attached by ClinVar (database versions not stated): gnomAD exomes below 0.00001.
gnomAD v4.1: 1 of 739,192 alleles (0.00014%); highest among the groups gnomAD compares: East Asian, 0.0028%; no homozygotes.

Submission:

Systems Biology Platform Zhejiang California International NanoSystems Institute
Classification: other for Familial colorectal cancer. Review status: no assertion criteria provided. Collection method: not provided. Allele origin: unknown.
ClinVar note: Converted during submission from cancer to other.

NM_000038.6(APC):c.645+122A>G

Gene: APC (APC regulator of WNT signaling pathway; plus strand). Cytogenetic location: 5q22.2.
Variant type: single nucleotide variant.
Coding change: c.645+122A>G on transcript NM_000038.6 (MANE Select); 122 bases into the intron after coding-DNA position 645, A replaced by G.
Molecular consequence: intron variant.
Genome position (GRCh38, 1-based): chr5:112,781,025, A>G. VCF-style: chr5-112781025-A-G. GRCh37 (hg19) VCF-style: chr5-112116722-A-G.
Other names: c.645+122A>G (NM_001354895.2, NM_001127510.3, NM_001354896.2 and 2 more transcripts); c.675+122A>G (NM_001354897.2, NM_001354902.2, NM_001127511.3); c.570+122A>G (NM_001354898.2, NM_001354904.2); c.-391+122A>G (NM_001354906.2); c.468+122A>G (NM_001354900.2, NM_001354901.2, NM_001354905.2).
Identifiers: ClinVar variation 82434 (VCV000082434.2), dbSNP rs79741137, ClinGen allele CA011201.
Genomic context (GRCh38, chr5:112,781,025, plus strand): 5'-AGCTCTGTTAATATTGATTAAATTTTATTAAAGACATAAGGCTGTGTTTATTTTGGCTCT[A>G]TTTCAAAATAAGATTTATCATGGCTGCTGAGCAACATAATCAATATTCACATAGTTGTGT-3'